The following is an entry in ClinVar:

NM_001130987.2(DYSF):c.1481G>A (p.Arg494His)

Gene: DYSF (dysferlin; plus strand). Cytogenetic location: 2p13.2.
Variant type: single nucleotide variant.
Coding change: c.1481G>A on transcript NM_001130987.2 (MANE Select); coding-DNA position 1481, G replaced by A.
Protein change: p.Arg494His; replaces arginine 494 with histidine.
Molecular consequence: missense variant.
Genome position (GRCh38, 1-based): chr2:71,535,299, G>A. VCF-style: chr2-71535299-G-A. GRCh37 (hg19) VCF-style: chr2-71762429-G-A.
Other names: c.1388G>A, p.Arg463His (NM_001130455.2, NM_001130983.2, NM_001130984.2 and 1 more transcripts); c.1385G>A, p.Arg462His (NM_001130976.2, NM_001130977.2, NM_001130978.2 and 1 more transcripts); c.1478G>A, p.Arg493His (NM_001130979.2, NM_001130980.2, NM_001130981.2); c.1481G>A, p.Arg494His (NM_001130982.2, NM_001130985.2); short protein forms R494H, R462H, R463H, R493H.
Identifiers: ClinVar variation 283459 (VCV000283459.26), dbSNP rs199879861, ClinGen allele CA1705768.
Genomic context (GRCh38, chr2:71,535,299, plus strand): 5'-CTCCCAACACGCCTCTATTCCTTCCTCAGTTTCCCTCCATGTGCGAAAAAATGAGGATTC[G>A]TATCATAGACTGGTGAGTTCTGAGTCTTGGAGTCTTTAGGGCGGGCTGTCCTGAGGGGGC-3'
Protein context (NP_001124459.1, residues 484-504): FPSMCEKMRI[Arg494His]IIDWDRLTHN

ClinVar aggregate classification (germline): Conflicting classifications of pathogenicity. Review status: criteria provided, conflicting classifications (1 of 4 stars). 7 submissions from 7 submitters: Uncertain significance (5); Likely benign (1). 1 of the submissions does not count toward it. Last evaluated 2026-02-01.

Conditions:
Neuromuscular disease caused by qualitative or quantitative defects of dysferlin. Also called: Qualitative or quantitative defects of dysferlin; Dysferlinopathy. Identifiers: Orphanet 207073, MedGen C2931687, MONDO:0016145.
Autosomal recessive limb-girdle muscular dystrophy type 2B (LGMDR2). Also called: Limb-girdle muscular dystrophy, type 2B; MUSCULAR DYSTROPHY, LIMB-GIRDLE, TYPE 3; Limb-Girdle Muscular Dystrophy Type 2B (LGMD2B); MUSCULAR DYSTROPHY, LIMB-GIRDLE, AUTOSOMAL RECESSIVE 2. Identifiers: Orphanet 268, MedGen C1850889, MONDO:0009676, OMIM 253601.

Allele frequency attached by ClinVar (database versions not stated): gnomAD exomes 0.00007 and 0.00015; ExAC 0.00008; gnomAD 0.00011 and 0.00012; TOPMed 0.00012; ESP Exome Variant Server 0.00015.
gnomAD v4.1: 227 of 1,614,010 alleles (0.014%); highest among the groups gnomAD compares: Non-Finnish European, 0.018%; no homozygotes.

Submissions (7):

Labcorp Genetics (formerly Invitae), Labcorp
Classification: Likely benign for Neuromuscular disease caused by qualitative or quantitative defects of dysferlin. Last evaluated: 2026-02-01. Review status: criteria provided, single submitter. Criteria: Invitae Variant Classification Sherloc (09022015). Collection method: clinical testing. Allele origin: germline.

Revvity Omics, Revvity
Classification: Uncertain significance. Last evaluated: 2024-10-02. Review status: criteria provided, single submitter. Criteria: ACMG Guidelines, 2015. Collection method: clinical testing. Allele origin: germline.

GeneDx
Classification: Uncertain significance. Last evaluated: 2024-06-12. Review status: criteria provided, single submitter. Criteria: GeneDx Variant Classification Process June 2021. Collection method: clinical testing. Allele origin: germline. Affected: yes.
Comment: In silico analysis supports that this missense variant has a deleterious effect on protein structure/function; Has not been previously published as pathogenic or benign to our knowledge; This variant is associated with the following publications: (PMID: 24438169)

Blueprint Genetics
Classification: Uncertain significance. Last evaluated: 2023-04-27. Review status: criteria provided, single submitter. Criteria: ACMG Guidelines, 2015. Collection method: clinical testing. Allele origin: germline.

Illumina Laboratory Services, Illumina
Classification: Uncertain significance for Qualitative or quantitative defects of dysferlin. Last evaluated: 2018-01-12. Review status: criteria provided, single submitter. Criteria: ICSL Variant Classification Criteria 13 December 2019. Collection method: clinical testing. Allele origin: germline.

Eurofins Ntd Llc (ga)
Classification: Uncertain significance. Last evaluated: 2015-09-24. Review status: criteria provided, single submitter. Criteria: EGL Classification Definitions 2015. Collection method: clinical testing. Allele origin: germline. Observed: 2 variant alleles, 2 heterozygotes.

Natera, Inc.
Classification: Uncertain significance for Limb-girdle muscular dystrophy type 2B. Last evaluated: 2020-09-16. Review status: no assertion criteria provided. Collection method: clinical testing. Allele origin: germline. Not counted in ClinVar's aggregate classification.